The following is an entry in ClinVar:

ClinVar aggregate classification (germline): Uncertain significance (1 of 4 stars; one submission).

Submission:

GeneDx
Classification: Uncertain significance. Last evaluated: 2016-08-10. Review status: criteria provided, single submitter. Criteria: GeneDx Variant Classification (06012015). Collection method: clinical testing. Allele origin: germline. Affected: yes.
Comment: This deletion of 23 nucleotides in POLD1 is denoted c.2412_2434del23 at the cDNA level and p.Ser805AlafsX46 (S805AfsX46) at the protein level. The surrounding sequence is TTAT[del23]TGCT. The deletion causes a frameshift which changes a Serine to an Alanine at codon 805, and creates a premature stop codon at position 46 of the new reading frame. Although this variant has not, to our knowledge, been reported in the literature, it is predicted to cause loss of normal protein function through either protein truncation or nonsense-mediated mRNA decay. However, while some missense variants in POLD1 have been recognized as an underlying cause of Polymerase Proofreading-Associated Polyposis (PPAP), there are no data at this time to support that loss-of-function variants confer the same cancer risks. We therefore consider this variant to be of uncertain significance with respect to cancer.

NM_002691.4(POLD1):c.2412_2434del (p.Ser805fs)

Gene: POLD1 (DNA polymerase delta 1, catalytic subunit; plus strand). Cytogenetic location: 19q13.33.
Variant type: Deletion.
Coding change: c.2412_2434del on transcript NM_002691.4 (MANE Select); coding-DNA positions 2412 to 2434, 23 bases deleted (CAGCAAGAAGCGCTACGCGGGCC).
Protein change: p.Ser805fs; shifts the reading frame from serine 805.
Molecular consequence: frameshift variant. On other transcripts: non-coding transcript variant (1).
Genome position (GRCh38, 1-based): chr19:50,414,838-50,414,860, CAGCAAGAAGCGCTACGCGGGCC deleted. VCF-style (leftmost placement, unchanged base first): chr19-50414837-TCAGCAAGAAGCGCTACGCGGGCC-T. GRCh37 (hg19) VCF-style: chr19-50918094-TCAGCAAGAAGCGCTACGCGGGCC-T.
Other names: c.2412_2434del, p.Ser805fs (NM_001256849.1); c.2490_2512del, p.Ser831fs (NM_001308632.1); c.2412_2434delCAGCAAGAAGCGCTACGCGGGCC (NM_002691.3); short protein forms S805fs, S831fs.
Identifiers: ClinVar variation 421964 (VCV000421964.2), dbSNP rs1064795476, ClinGen allele CA16620897.
Genomic context (GRCh38, chr19:50,414,837, plus strand): 5'-TCCTCAGGCTCAGGGTCTTGGCCATGGCTCCCTCCCAGGTCTACTTCCCATACCTGCTTA[TCAGCAAGAAGCGCTACGCGGGCC>T]TGCTCTTCTCCTCCCGGCCCGACGCCCACGACCGCATGGACTGCAAGGGCCTGGAGGCCG-3'